The following is an entry in ClinVar:

NC_000005.9:g.(?_37230949)_(37231171_?)del

Gene: CPLANE1 (ciliogenesis and planar polarity effector complex subunit 1; minus strand). Cytogenetic location: 5p13.2.
Variant type: Deletion.
Identifiers: ClinVar variation 3246533 (VCV003246533.1).

ClinVar aggregate classification (germline): Pathogenic (1 of 4 stars; one submission).

Submission:

Labcorp Genetics (formerly Invitae), Labcorp
Classification: Pathogenic. Last evaluated: 2023-09-15. Review status: criteria provided, single submitter. Criteria: Invitae Variant Classification Sherloc (09022015). Collection method: clinical testing. Allele origin: unknown.
Comment: This variant is a gross deletion of the genomic region encompassing exon(s) 9 of the CPLANE1 gene. This variant would be expected to be in-frame, preserving the integrity of the reading frame. This variant has not been reported in the literature in individuals affected with CPLANE1-related conditions. This variant disrupts a region of the CPLANE1 protein in which other variant(s) (p.Thr323Met) have been determined to be pathogenic (PMID: 26092869). This suggests that this is a clinically significant region of the protein, and that variants that disrupt it are likely to be disease-causing. For these reasons, this variant has been classified as Pathogenic.

Literature cited by the submitters: PubMed 26092869.